The following is an entry in ClinVar:

ClinVar aggregate classification (germline): Benign. Review status: criteria provided, multiple submitters, no conflicts (2 of 4 stars). 2 submissions from 2 submitters: Benign (2). Last evaluated 2025-10-15.

Conditions:
Fleck corneal dystrophy (CFD). Also called: CORNEAL DYSTROPHY, FRANCOIS-NEETENS SPECKLED OR FLECKED. Identifiers: Orphanet 98970, MedGen C1562113, MONDO:0007376, OMIM 121850.

Allele frequency attached by ClinVar (database versions not stated): gnomAD 0.00001; gnomAD exomes 0.00001 and 0.00010; TOPMed 0.00006; ExAC 0.00007.
gnomAD v4.1: 24 of 1,613,870 alleles (0.0015%); highest among the groups gnomAD compares: East Asian, 0.051%; no homozygotes.

Submissions (2):

Labcorp Genetics (formerly Invitae), Labcorp
Classification: Benign. Last evaluated: 2025-10-15. Review status: criteria provided, single submitter. Criteria: Invitae Variant Classification Sherloc (09022015). Collection method: clinical testing. Allele origin: germline.

Illumina Laboratory Services, Illumina
Classification: Benign for Fleck corneal dystrophy. Last evaluated: 2018-01-13. Review status: criteria provided, single submitter. Criteria: ICSL Variant Classification Criteria 13 December 2019. Collection method: clinical testing. Allele origin: germline.
Comment: This variant was observed in the ICSL laboratory as part of a predisposition screen in an ostensibly healthy population. It had not been previously curated by ICSL or reported in the Human Gene Mutation Database (HGMD: prior to June 1st, 2018), and was therefore a candidate for classification through an automated scoring system. Utilizing variant allele frequency, disease prevalence and penetrance estimates, and inheritance mode, an automated score was calculated to assess if this variant is too frequent to cause the disease. Based on the score and internal cut-off values, a variant classified as benign is not then subjected to further curation. The score for this variant resulted in a classification of benign for this disease.

NM_015040.4(PIKFYVE):c.1051-10G>T

Gene: PIKFYVE (phosphoinositide kinase, FYVE-type zinc finger containing; plus strand). Cytogenetic location: 2q34.
Variant type: single nucleotide variant.
Coding change: c.1051-10G>T on transcript NM_015040.4 (MANE Select); 10 bases into the intron before coding-DNA position 1051, G replaced by T.
Molecular consequence: intron variant.
Genome position (GRCh38, 1-based): chr2:208,300,927, G>T. VCF-style: chr2-208300927-G-T. GRCh37 (hg19) VCF-style: chr2-209165651-G-T.
Other names: c.1051-10G>T (NM_001178000.2); c.760-10G>T (NM_152671.4).
Identifiers: ClinVar variation 333888 (VCV000333888.6), dbSNP rs769292195, ClinGen allele CA2079451.